The following is an entry in ClinVar:

ClinVar aggregate classification (germline): Likely pathogenic. Review status: criteria provided, single submitter (1 of 4 stars). 2 submissions from 2 submitters: Likely pathogenic (1). 1 of the submissions does not count toward it. Last evaluated 2015-06-30.

Conditions:
Familial thoracic aortic aneurysm and aortic dissection (TAAD). Also called: Thoracic aortic aneurysms and dissections. Identifiers: Orphanet 91387, MedGen C4707243, MONDO:0019625.
FBN1-related disorder. Also called: FBN1-related disorders.

Submissions (2):

Ambry Genetics
Classification: Likely pathogenic for Familial thoracic aortic aneurysm and aortic dissection. Last evaluated: 2015-06-30. Review status: criteria provided, single submitter. Criteria: Ambry Variant Classification Scheme 2023. Collection method: clinical testing. Allele origin: germline.
Comment: The p.C2258Y variant (also known as c.6773G>A), located in coding exon 55 of the FBN1 gene, results from a G to A substitution at nucleotide position 6773. The cysteine at codon 2258 is replaced by tyrosine, an amino acid with highly dissimilar properties, and is located in the cb EGF-like domain #35. The majority of FBN1 mutations identified to date have involved the substitution or generation of cysteine residues within cbEGF domains (Vollbrandt T et al. J Biol Chem. 2004;279(31):32924-32931). This variant, which was described in a patient with classic Marfan syndrome (MFS), was studied using pulse-chase analysis that demonstrated a delay in secretion of profibrillin-1, which may disrupt the folding of the protein and its transport (Halliday D et al. Hum Genet, 1999 Dec;105:587-97). Based on internal structural assessment, this alteration eliminates a structurally critical disulfide bond in the structurally sensitive cb EGF-like domain #35. This variant is considered to be rare based on population cohorts in the Genome Aggregation Database (gnomAD). This amino acid position is highly conserved in available vertebrate species. In addition, this alteration is predicted to be deleterious by in silico analysis. Based on the majority of available evidence to date, this variant is likely to be pathogenic.

PreventionGenetics, part of Exact Sciences
Classification: Likely pathogenic for FBN1-related condition. Last evaluated: 2024-07-07. Review status: no assertion criteria provided. Collection method: clinical testing. Allele origin: germline. Not counted in ClinVar's aggregate classification.
Comment: The FBN1 c.6773G>A variant is predicted to result in the amino acid substitution p.Cys2258Tyr. This variant was reported in an individual with Marfan syndrome (Halliday et al. 1999. PubMed ID: 10647894). This variant has not been reported in a large population database, indicating this variant is rare. This variant is interpreted as likely pathogenic.

NM_000138.5(FBN1):c.6773G>A (p.Cys2258Tyr)

Gene: FBN1 (fibrillin 1; minus strand). Cytogenetic location: 15q21.1.
Variant type: single nucleotide variant.
Coding change: c.6773G>A on transcript NM_000138.5 (MANE Select); coding-DNA position 6773, G replaced by A.
Protein change: p.Cys2258Tyr; replaces cysteine 2258 with tyrosine.
Molecular consequence: missense variant.
Genome position (GRCh38, 1-based): chr15:48,430,769, C>T on the plus strand (G>A on the coding strand, the complement: FBN1 is on the minus strand). VCF-style: chr15-48430769-C-T. GRCh37 (hg19) VCF-style: chr15-48722966-C-T.
Other names: short protein forms C2258Y.
Identifiers: ClinVar variation 264106 (VCV000264106.6), dbSNP rs886039047, ClinGen allele CA10587805.
Genomic context (GRCh38, chr15:48,430,769, plus strand): 5'-GGTCCACAGATGCACATATATGTGCCAATGAGGTTCTTGCATTCCATTTGTTTTTCAGTA[C>T]AGTCATGTTTTCCCTCTTCACACTCATCCTCATCTGTAAAAAATGTACAATCACAAATTT-3'
Protein context (NP_000129.3, residues 2248-2268): EDECEEGKHD[Cys2258Tyr]TEKQMECKNL